The following is an entry in ClinVar:

NM_005359.6(SMAD4):c.1285A>C (p.Ile429Leu)

Gene: SMAD4 (SMAD family member 4; plus strand). Cytogenetic location: 18q21.2.
Variant type: single nucleotide variant.
Coding change: c.1285A>C on transcript NM_005359.6 (MANE Select); coding-DNA position 1285, A replaced by C.
Protein change: p.Ile429Leu; replaces isoleucine 429 with leucine.
Molecular consequence: missense variant.
Genome position (GRCh38, 1-based): chr18:51,067,164, A>C. VCF-style: chr18-51067164-A-C. GRCh37 (hg19) VCF-style: chr18-48593534-A-C.
Other names: c.1285A>C (NM_005359.5); short protein forms I429L.
Identifiers: ClinVar variation 1498178 (VCV001498178.9), dbSNP rs2144452793, ClinGen allele CA402465032.

ClinVar aggregate classification (germline): Uncertain significance. Review status: criteria provided, multiple submitters, no conflicts (2 of 4 stars). 2 submissions from 2 submitters: Uncertain significance (2). Last evaluated 2024-05-28.

Conditions:
Juvenile polyposis syndrome (JPS). Identifiers: Orphanet 2929, MedGen C0345893, MONDO:0017380, OMIM 174900.

Submissions (2):

Quest Diagnostics Nichols Institute San Juan Capistrano
Classification: Uncertain significance. Last evaluated: 2024-05-28. Review status: criteria provided, single submitter. Criteria: Quest Diagnostics criteria. Collection method: clinical testing. Allele origin: unknown.
Comment: The SMAD4 c.1285A>C (p.Ile429Leu) variant has not been reported in individuals with SMAD4-related conditions in the published literature. It also has not been reported in large, multi-ethnic general populations (Genome Aggregation Database). Analysis of this variant using bioinformatics tools for the prediction of the effect of amino acid changes on protein structure and function yielded conflicting predictions that this variant is deleterious or benign. Based on the available information, we are unable to determine the clinical significance of this variant.

Labcorp Genetics (formerly Invitae), Labcorp
Classification: Uncertain significance for Juvenile polyposis syndrome. Last evaluated: 2020-12-28. Review status: criteria provided, single submitter. Criteria: Invitae Variant Classification Sherloc (09022015). Collection method: clinical testing. Allele origin: germline.
Comment: In summary, the available evidence is currently insufficient to determine the role of this variant in disease. Therefore, it has been classified as a Variant of Uncertain Significance. Algorithms developed to predict the effect of missense changes on protein structure and function (SIFT, PolyPhen-2, Align-GVGD) all suggest that this variant is likely to be tolerated, but these predictions have not been confirmed by published functional studies and their clinical significance is uncertain. This variant has not been reported in the literature in individuals with SMAD4-related conditions. This variant is not present in population databases (ExAC no frequency). This sequence change replaces isoleucine with leucine at codon 429 of the SMAD4 protein (p.Ile429Leu). The isoleucine residue is highly conserved and there is a small physicochemical difference between isoleucine and leucine.